The following is an entry in ClinVar:

ClinVar aggregate classification (germline): Likely benign (1 of 4 stars; one submission).

Submission:

CeGaT Center for Human Genetics Tuebingen
Classification: Likely benign. Last evaluated: 2025-05-01. Review status: criteria provided, single submitter. Criteria: CeGaT Center For Human Genetics Tuebingen Variant Classification Criteria Version 2. Collection method: clinical testing. Allele origin: germline. Affected: yes. Observed: 1 variant allele.
Comment: VAC14: PM2:Supporting, BP4, BP7

NM_018052.5(VAC14):c.969G>A (p.Val323=)

Gene: VAC14 (VAC14 component of PIKFYVE complex; minus strand). Cytogenetic location: 16q22.1.
Variant type: single nucleotide variant.
Coding change: c.969G>A on transcript NM_018052.5 (MANE Select); coding-DNA position 969, G replaced by A.
Protein change: p.Val323=; no amino-acid change (valine 323 retained).
Molecular consequence: synonymous variant.
Genome position (GRCh38, 1-based): chr16:70,780,917, C>T on the plus strand (G>A on the coding strand, the complement: VAC14 is on the minus strand). VCF-style: chr16-70780917-C-T. GRCh37 (hg19) VCF-style: chr16-70814820-C-T.
Other names: c.267G>A, p.Val89= (NM_001351157.2).
Identifiers: ClinVar variation 3898276 (VCV003898276.7).